The following is an entry in ClinVar:

ClinVar aggregate classification (germline): Pathogenic (1 of 4 stars; one submission).

Conditions:
Sclerosteosis 2 (SOST2). Identifiers: Orphanet 3152, MedGen C3280402, MONDO:0013679, OMIM 614305.
Congenital myasthenic syndrome 17. Identifiers: Orphanet 590, MedGen C4225377, MONDO:0014578, OMIM 616304.
Cenani-Lenz syndactyly syndrome. Also called: CENANI SYNDACTYLISM; SYNDACTYLY, TYPE VII. Identifiers: Orphanet 3258, MedGen C1859309, MONDO:0008931, OMIM 212780.

Submission:

Labcorp Genetics (formerly Invitae), Labcorp
Classification: Pathogenic for Cenani-Lenz syndactyly syndrome; Sclerosteosis 2; Congenital myasthenic syndrome 17. Last evaluated: 2025-12-31. Review status: criteria provided, single submitter. Criteria: Invitae Variant Classification Sherloc (09022015). Collection method: clinical testing. Allele origin: germline.
Comment: This sequence change creates a premature translational stop signal (p.Trp1183*) in the LRP4 gene. It is expected to result in an absent or disrupted protein product. Loss-of-function variants in LRP4 are known to be pathogenic (PMID: 23636941, 24924585). This variant is not present in population databases (gnomAD no frequency). This variant has not been reported in the literature in individuals affected with LRP4-related conditions. For these reasons, this variant has been classified as Pathogenic.

Literature cited by the submitters: PubMed 23636941; PubMed 24924585.

NM_002334.4(LRP4):c.3549G>A (p.Trp1183Ter)

Gene: LRP4 (LDL receptor related protein 4; minus strand). Cytogenetic location: 11p11.2.
Variant type: single nucleotide variant.
Coding change: c.3549G>A on transcript NM_002334.4 (MANE Select); coding-DNA position 3549, G replaced by A.
Protein change: p.Trp1183Ter; replaces tryptophan 1183 with a stop codon.
Molecular consequence: nonsense.
Genome position (GRCh38, 1-based): chr11:46,875,954, C>T on the plus strand (G>A on the coding strand, the complement: LRP4 is on the minus strand). VCF-style: chr11-46875954-C-T. GRCh37 (hg19) VCF-style: chr11-46897505-C-T.
Other names: short protein forms W1183*.
Identifiers: ClinVar variation 4785456 (VCV004785456.1).
Genomic context (GRCh38, chr11:46,875,954, plus strand): 5'-CGCGCGGTCTGAGCCATCCATTCCGGACCGCTCTAACTTGGCATTCTCCCCCCAGTCTGT[C>T]CAGTACATAAACCTGAGTGAGGAAGAATATTAGCTATATTAGCTAGTTATTCCAGCAGCT-3'